The following is an entry in ClinVar:

ClinVar aggregate classification (germline): Uncertain significance (1 of 4 stars; one submission).

Submission:

GeneDx
Classification: Uncertain significance. Last evaluated: 2025-08-05. Review status: criteria provided, single submitter. Criteria: GeneDx Variant Classification Process June 2021. Collection method: clinical testing. Allele origin: germline. Affected: yes.
Comment: Not observed at significant frequency in large population cohorts (gnomAD); In silico analysis suggests that this missense variant does not alter protein structure/function; Has not been previously published as pathogenic or benign to our knowledge

NM_002941.4(ROBO1):c.3412T>C (p.Tyr1138His)

Gene: ROBO1 (roundabout guidance receptor 1; minus strand). Cytogenetic location: 3p12.3.
Variant type: single nucleotide variant.
Coding change: c.3412T>C on transcript NM_002941.4 (MANE Select); coding-DNA position 3412, T replaced by C.
Protein change: p.Tyr1138His; replaces tyrosine 1138 with histidine.
Molecular consequence: missense variant.
Genome position (GRCh38, 1-based): chr3:78,634,004, A>G on the plus strand (T>C on the coding strand, the complement: ROBO1 is on the minus strand). VCF-style: chr3-78634004-A-G. GRCh37 (hg19) VCF-style: chr3-78683154-A-G.
Other names: c.3112T>C, p.Tyr1038His (NM_001145845.2); c.3277T>C, p.Tyr1093His (NM_133631.4); short protein forms Y1038H, Y1093H, Y1138H.
Identifiers: ClinVar variation 4755921 (VCV004755921.1).